The following is an entry in ClinVar:

NM_001374504.1(TMPRSS6):c.460C>T (p.Arg154Trp)

Gene: TMPRSS6 (transmembrane serine protease 6; minus strand). Cytogenetic location: 22q12.3.
Variant type: single nucleotide variant.
Coding change: c.460C>T on transcript NM_001374504.1 (MANE Select); coding-DNA position 460, C replaced by T.
Protein change: p.Arg154Trp; replaces arginine 154 with tryptophan.
Molecular consequence: missense variant.
Genome position (GRCh38, 1-based): chr22:37,096,035, G>A on the plus strand (C>T on the coding strand, the complement: TMPRSS6 is on the minus strand). VCF-style: chr22-37096035-G-A. GRCh37 (hg19) VCF-style: chr22-37492075-G-A.
Other names: p.Arg163Trp; c.460C>T, p.Arg154Trp (NM_001289000.2, NM_001289001.2, NM_153609.4); short protein forms R154W.
Identifiers: ClinVar variation 2683571 (VCV002683571.2), dbSNP rs368109682, ClinGen allele CA10216069.
Genomic context (GRCh38, chr22:37,096,035, plus strand): 5'-CTGTGGACAGCAGCTCCTCCACCAGCAGTGCCTGCACCACCTCGGGGCTCAGCATCAGCC[G>A]GCGGTGCTCGGGGATTTGGAGAATGAACCAGAAGAAGCAGGTGAGGGGTCCCTCCCTAAG-3'
Protein context (NP_001361433.1, residues 144-164): WFILQIPEHR[Arg154Trp]LMLSPEVVQA

ClinVar aggregate classification (germline): Uncertain significance. Review status: criteria provided, multiple submitters, no conflicts (2 of 4 stars). 2 submissions from 2 submitters: Uncertain significance (2). Last evaluated 2023-05-05.

Allele frequency attached by ClinVar (database versions not stated): gnomAD 0.00002; TOPMed 0.00003; ExAC 0.00004; ESP Exome Variant Server 0.00008; gnomAD exomes 0.00012.

Submissions (2):

Mayo Clinic Laboratories, Mayo Clinic
Classification: Uncertain significance. Last evaluated: 2023-05-05. Review status: criteria provided, single submitter. Criteria: ACMG Guidelines, 2015. Collection method: clinical testing. Allele origin: germline. Observed: 1 variant allele.
Comment: BP4, PM2

Blueprint Genetics
Classification: Uncertain significance. Last evaluated: 2021-10-29. Review status: criteria provided, single submitter. Criteria: ACMG Guidelines, 2015. Collection method: clinical testing. Allele origin: germline.